The following is an entry in ClinVar:

NM_194454.3(KRIT1):c.648_654del (p.Ser217fs)

Gene: KRIT1 (KRIT1 ankyrin repeat containing; minus strand). Cytogenetic location: 7q21.2.
Variant type: Deletion.
Coding change: c.648_654del on transcript NM_194454.3 (MANE Select); coding-DNA positions 648 to 654, 7 bases deleted (GAGTAAA; older notation c.648_654delGAGTAAA).
Protein change: p.Ser217fs; shifts the reading frame from serine 217.
Molecular consequence: frameshift variant. On other transcripts: intron variant (1).
Genome position (GRCh38, 1-based): chr7:92,235,478-92,235,484, TTTACTC deleted on the plus strand (GAGTAAA on the coding strand, the reverse complement: KRIT1 is on the minus strand); deleting any 7 consecutive bases within chr7:92,235,478-92,235,488 gives the same sequence; the c. name uses the placement nearest the transcript's 3' end. VCF-style (leftmost placement, unchanged base first): chr7-92235477-TTTTACTC-T. GRCh37 (hg19) VCF-style: chr7-91864791-TTTTACTC-T.
Other names: c.648_654del, p.Ser217fs (NM_001350672.1, NM_001350673.1, NM_001350674.1 and 29 more transcripts); c.15+50_15+56del (NM_001350671.1); short protein forms S217fs.
Identifiers: ClinVar variation 3643486 (VCV003643486.2).

ClinVar aggregate classification (germline): Pathogenic (1 of 4 stars; one submission).

Conditions:
Cerebral cavernous malformation (CCM). Also called: Cerebral cavernous malformations; CAVERNOUS ANGIOMA, FAMILIAL; CAVERNOUS ANGIOMATOUS MALFORMATIONS; Cavernous Hemangioma of Brain; CEREBRAL CAPILLARY MALFORMATIONS; Cerebral cavernous hemangioma (type). Identifiers: Orphanet 221061, MedGen C2919945, MONDO:0000820, OMIM 116860, HP:0033522.

Submission:

Labcorp Genetics (formerly Invitae), Labcorp
Classification: Pathogenic for Cerebral cavernous malformation. Last evaluated: 2024-02-27. Review status: criteria provided, single submitter. Criteria: Invitae Variant Classification Sherloc (09022015). Collection method: clinical testing. Allele origin: germline.
Comment: This sequence change creates a premature translational stop signal (p.Ser217Cysfs*2) in the KRIT1 gene. It is expected to result in an absent or disrupted protein product. Loss-of-function variants in KRIT1 are known to be pathogenic (PMID: 10508515, 11222804, 12404106, 24689081). This variant is not present in population databases (gnomAD no frequency). This variant has not been reported in the literature in individuals affected with KRIT1-related conditions. Algorithms developed to predict the effect of sequence changes on RNA splicing suggest that this variant may disrupt the consensus splice site. For these reasons, this variant has been classified as Pathogenic.

Literature cited by the submitters: PubMed 10508515; PubMed 11222804; PubMed 12404106; PubMed 24689081.